The following is an entry in ClinVar:

NM_145239.3(PRRT2):c.302C>A (p.Pro101His)

Genes: MVP-DT (MVP divergent transcript; minus strand), PRRT2 (proline rich transmembrane protein 2; plus strand). Cytogenetic location: 16p11.2.
Variant type: single nucleotide variant.
Coding change: c.302C>A on transcript NM_145239.3 (MANE Select); coding-DNA position 302, C replaced by A.
Protein change: p.Pro101His; replaces proline 101 with histidine.
Molecular consequence: missense variant.
Genome position (GRCh38, 1-based): chr16:29,813,356, C>A. VCF-style: chr16-29813356-C-A. GRCh37 (hg19) VCF-style: chr16-29824677-C-A.
Other names: c.302C>A, p.Pro101His (NM_001256443.2, NM_001256442.2); short protein forms P101H.
Identifiers: ClinVar variation 3372978 (VCV003372978.3).

ClinVar aggregate classification (germline): Conflicting classifications of pathogenicity. Review status: criteria provided, conflicting classifications (1 of 4 stars). 2 submissions from 2 submitters: Uncertain significance (1); Likely benign (1). Last evaluated 2025-01-19.

Conditions:
Episodic kinesigenic dyskinesia (EKD). Also called: Paroxysmal kinesigenic dyskinesia. Identifiers: Orphanet 98809, MedGen C1868682, MONDO:0044202.

gnomAD v4.1: 5 of 1,613,988 alleles (0.00031%); highest among the groups gnomAD compares: African/African-American, 0.0067%; no homozygotes.

Submissions (2):

Labcorp Genetics (formerly Invitae), Labcorp
Classification: Likely benign for Episodic kinesigenic dyskinesia. Last evaluated: 2025-01-19. Review status: criteria provided, single submitter. Criteria: Invitae Variant Classification Sherloc (09022015). Collection method: clinical testing. Allele origin: germline.

GeneDx
Classification: Uncertain significance. Last evaluated: 2024-04-25. Review status: criteria provided, single submitter. Criteria: GeneDx Variant Classification Process June 2021. Collection method: clinical testing. Allele origin: germline. Affected: yes.
Comment: In silico analysis indicates that this missense variant does not alter protein structure/function; Has not been previously published as pathogenic or benign to our knowledge